The following is an entry in ClinVar:

NM_012203.2(GRHPR):c.215-13_215-7del

Gene: GRHPR (glyoxylate and hydroxypyruvate reductase; plus strand). Cytogenetic location: 9p13.2.
Variant type: Deletion.
Coding change: c.215-13_215-7del on transcript NM_012203.2 (MANE Select); 13 bases into the intron before coding-DNA position 215 through 7 bases into the intron before coding-DNA position 215, 7 bases deleted (TTCTGCA; older notation c.215-13_215-7delTTCTGCA).
Molecular consequence: intron variant.
Genome position (GRCh38, 1-based): chr9:37,425,909-37,425,915, TTCTGCA deleted. VCF-style (leftmost placement, unchanged base first): chr9-37425908-TTTCTGCA-T. GRCh37 (hg19) VCF-style: chr9-37425905-TTTCTGCA-T.
Identifiers: ClinVar variation 961747 (VCV000961747.7), dbSNP rs780759944, ClinGen allele CA5058962.

ClinVar aggregate classification (germline): Uncertain significance. Review status: criteria provided, multiple submitters, no conflicts (2 of 4 stars). 3 submissions from 3 submitters: Uncertain significance (2). 1 of the submissions does not count toward it. Last evaluated 2022-10-24.

Conditions:
Primary hyperoxaluria, type II (HP2). Also called: D-GLYCERATE DEHYDROGENASE DEFICIENCY; Primary hyperoxaluria type 2; GLYCERIC ACIDURIA; GLYOXYLATE REDUCTASE/HYDROXYPYRUVATE REDUCTASE DEFICIENCY; OXALOSIS II. Identifiers: Orphanet 416, Orphanet 93599, MedGen C0268165, MONDO:0009824, OMIM 260000. Disease mechanism: loss of function.

Allele frequency attached by ClinVar (database versions not stated): gnomAD exomes 0.00001 and 0.00003; TOPMed 0.00001; ExAC 0.00002.

Submissions (3):

GeneDx
Classification: Uncertain significance. Last evaluated: 2022-10-24. Review status: criteria provided, single submitter. Criteria: GeneDx Variant Classification Process June 2021. Collection method: clinical testing. Allele origin: germline. Affected: yes.
Comment: In silico analysis supports a deleterious effect on splicing; Has not been previously published as pathogenic or benign to our knowledge

Labcorp Genetics (formerly Invitae), Labcorp
Classification: Uncertain significance. Last evaluated: 2021-08-27. Review status: criteria provided, single submitter. Criteria: Invitae Variant Classification Sherloc (09022015). Collection method: clinical testing. Allele origin: germline.
Comment: This sequence change falls in intron 2 of the GRHPR gene. It does not directly change the encoded amino acid sequence of the GRHPR protein. It affects a nucleotide within the consensus splice site of the intron. This variant is present in population databases (rs780759944, ExAC 0.02%). This variant has been observed in individual(s) with GRHPR-related conditions (Invitae). Variants that disrupt the consensus splice site are a relatively common cause of aberrant splicing (PMID: 17576681, 9536098). Algorithms developed to predict the effect of sequence changes on RNA splicing suggest that this variant may disrupt the consensus splice site. In summary, the available evidence is currently insufficient to determine the role of this variant in disease. Therefore, it has been classified as a Variant of Uncertain Significance.

Natera, Inc.
Classification: Uncertain significance for Primary hyperoxaluria type II. Last evaluated: 2021-02-05. Review status: no assertion criteria provided. Collection method: clinical testing. Allele origin: germline. Not counted in ClinVar's aggregate classification.

Literature cited by the submitters: PubMed 17576681 (cited by Labcorp Genetics (formerly Invitae), Labcorp); PubMed 9536098 (cited by Labcorp Genetics (formerly Invitae), Labcorp).